The following is an entry in ClinVar:

ClinVar aggregate classification (germline): Uncertain significance (1 of 4 stars; one submission).

Allele frequency attached by ClinVar (database versions not stated): TOPMed below 0.00001; gnomAD exomes 0.00001.
gnomAD v4.1: 3 of 1,613,064 alleles (0.00019%); highest among the groups gnomAD compares: Non-Finnish European, 0.00025%; no homozygotes.

Submission:

Labcorp Genetics (formerly Invitae), Labcorp
Classification: Uncertain significance. Last evaluated: 2022-06-20. Review status: criteria provided, single submitter. Criteria: Invitae Variant Classification Sherloc (09022015). Collection method: clinical testing. Allele origin: germline.
Comment: In summary, the available evidence is currently insufficient to determine the role of this variant in disease. Therefore, it has been classified as a Variant of Uncertain Significance. Algorithms developed to predict the effect of missense changes on protein structure and function are either unavailable or do not agree on the potential impact of this missense change (SIFT: "Deleterious"; PolyPhen-2: "Benign"; Align-GVGD: "Class C15"). ClinVar contains an entry for this variant (Variation ID: 639550). This variant has not been reported in the literature in individuals affected with RETREG1-related conditions. This variant is not present in population databases (gnomAD no frequency). This sequence change replaces proline, which is neutral and non-polar, with leucine, which is neutral and non-polar, at codon 165 of the RETREG1 protein (p.Pro165Leu).

NM_001034850.3(RETREG1):c.494C>T (p.Pro165Leu)

Gene: RETREG1 (reticulophagy regulator 1; minus strand). Cytogenetic location: 5p15.1.
Variant type: single nucleotide variant.
Coding change: c.494C>T on transcript NM_001034850.3 (MANE Select); coding-DNA position 494, C replaced by T.
Protein change: p.Pro165Leu; replaces proline 165 with leucine.
Molecular consequence: missense variant.
Genome position (GRCh38, 1-based): chr5:16,483,437, G>A on the plus strand (C>T on the coding strand, the complement: RETREG1 is on the minus strand). VCF-style: chr5-16483437-G-A. GRCh37 (hg19) VCF-style: chr5-16483546-G-A.
Other names: c.71C>T, p.Pro24Leu (NM_019000.5); short protein forms P165L, P24L.
Identifiers: ClinVar variation 639550 (VCV000639550.6), dbSNP rs1413492220, ClinGen allele CA359259669.